The following is an entry in ClinVar:

ClinVar aggregate classification (germline): Uncertain significance (1 of 4 stars; one submission).

Allele frequency attached by ClinVar (database versions not stated): gnomAD exomes below 0.00001.

Submission:

Labcorp Genetics (formerly Invitae), Labcorp
Classification: Uncertain significance. Last evaluated: 2023-11-07. Review status: criteria provided, single submitter. Criteria: Invitae Variant Classification Sherloc (09022015). Collection method: clinical testing. Allele origin: germline.
Comment: This sequence change replaces glutamine, which is neutral and polar, with glutamic acid, which is acidic and polar, at codon 442 of the HPS4 protein (p.Gln442Glu). This variant is not present in population databases (gnomAD no frequency). This variant has not been reported in the literature in individuals affected with HPS4-related conditions. An algorithm developed to predict the effect of missense changes on protein structure and function (PolyPhen-2) suggests that this variant is likely to be tolerated. In summary, the available evidence is currently insufficient to determine the role of this variant in disease. Therefore, it has been classified as a Variant of Uncertain Significance.

NM_022081.6(HPS4):c.1324C>G (p.Gln442Glu)

Gene: HPS4 (HPS4 biogenesis of lysosomal organelles complex 3 subunit 2; minus strand). Cytogenetic location: 22q12.1.
Variant type: single nucleotide variant.
Coding change: c.1324C>G on transcript NM_022081.6 (MANE Select); coding-DNA position 1324, C replaced by G.
Protein change: p.Gln442Glu; replaces glutamine 442 with glutamic acid.
Molecular consequence: missense variant. On other transcripts: non-coding transcript variant (8).
Genome position (GRCh38, 1-based): chr22:26,464,306, G>C on the plus strand (C>G on the coding strand, the complement: HPS4 is on the minus strand). VCF-style: chr22-26464306-G-C. GRCh37 (hg19) VCF-style: chr22-26860272-G-C.
Other names: c.1324C>G, p.Gln442Glu (NM_001349896.1, NM_001349898.2, NM_001349899.2 and 5 more transcripts); c.1378C>G, p.Gln460Glu (NM_001349900.2, NM_001349901.1); c.1309C>G, p.Gln437Glu (NM_152841.2); short protein forms Q442E, Q437E, Q460E.
Identifiers: ClinVar variation 2772830 (VCV002772830.3), dbSNP rs2518206571, ClinGen allele CA411027296.
Genomic context (GRCh38, chr22:26,464,306, plus strand): 5'-GGAGAGGGTCTGCTCTGGGAATGGGGGCTTGGCTGCTATGGCCAGGATGGTCTTCGAGCT[G>C]CTCTTGGGCTCCATGCTGGGTCAGCATCTCAGGAGCAGAGGGAGGGCGCAAGCTGCTGAT-3'
Protein context (NP_071364.4, residues 432-452): EMLTQHGAQE[Gln442Glu]LEDHPGHSSQ